The following is an entry in ClinVar:

ClinVar aggregate classification (germline): Benign (1 of 4 stars; one submission).

gnomAD v4.1: 13,717 of 1,574,026 alleles (0.87%); highest among the groups gnomAD compares: Middle Eastern, 2%; 82 homozygotes.

Submission:

CeGaT Center for Human Genetics Tuebingen
Classification: Benign. Last evaluated: 2025-04-01. Review status: criteria provided, single submitter. Criteria: CeGaT Center For Human Genetics Tuebingen Variant Classification Criteria Version 2. Collection method: clinical testing. Allele origin: germline. Affected: yes. Observed: 1 variant allele.
Comment: FAM222A: BP4, BP7, BS1, BS2

NM_032829.3(FAM222A):c.1026C>A (p.Gly342=)

Genes: FAM222A (family with sequence similarity 222 member A; plus strand), FAM222A-AS1 (FAM222A antisense RNA 1; minus strand). Cytogenetic location: 12q24.11.
Variant type: single nucleotide variant.
Coding change: c.1026C>A on transcript NM_032829.3 (MANE Select); coding-DNA position 1026, C replaced by A.
Protein change: p.Gly342=; no amino-acid change (glycine 342 retained).
Molecular consequence: synonymous variant.
Genome position (GRCh38, 1-based): chr12:109,768,955, C>A. VCF-style: chr12-109768955-C-A. GRCh37 (hg19) VCF-style: chr12-110206760-C-A.
Identifiers: ClinVar variation 3904799 (VCV003904799.10).